The following is an entry in ClinVar:

NM_152703.5(SAMD9L):c.1597A>G (p.Thr533Ala)

Gene: SAMD9L (sterile alpha motif domain containing 9 like; minus strand). Cytogenetic location: 7q21.2.
Variant type: single nucleotide variant.
Coding change: c.1597A>G on transcript NM_152703.5 (MANE Select); coding-DNA position 1597, A replaced by G.
Protein change: p.Thr533Ala; replaces threonine 533 with alanine.
Molecular consequence: missense variant.
Genome position (GRCh38, 1-based): chr7:93,134,375, T>C on the plus strand (A>G on the coding strand, the complement: SAMD9L is on the minus strand). VCF-style: chr7-93134375-T-C. GRCh37 (hg19) VCF-style: chr7-92763688-T-C.
Other names: c.1597A>G, p.Thr533Ala (NM_001303496.3, NM_001303497.3, NM_001303498.3 and 5 more transcripts); short protein forms T533A.
Identifiers: ClinVar variation 3437241 (VCV003437241.1).

ClinVar aggregate classification (germline): Uncertain significance (1 of 4 stars; one submission).

Conditions:
Inborn genetic diseases. Identifiers: MedGen C0950123, MeSH D030342.

Submission:

Ambry Genetics
Classification: Uncertain significance for Inborn genetic diseases. Last evaluated: 2024-12-08. Review status: criteria provided, single submitter. Criteria: Ambry Variant Classification Scheme 2023. Collection method: clinical testing. Allele origin: germline.
Comment: The p.T533A variant (also known as c.1597A>G), located in coding exon 1 of the SAMD9L gene, results from an A to G substitution at nucleotide position 1597. The threonine at codon 533 is replaced by alanine, an amino acid with similar properties. This amino acid position is conserved. In addition, this alteration is predicted to be tolerated by in silico analysis. Based on the available evidence, the clinical significance of this variant remains unclear.